The following is an entry in ClinVar:

NM_001164508.2(NEB):c.17355C>A (p.Tyr5785Ter)

Gene: NEB (nebulin; minus strand). Cytogenetic location: 2q23.3.
Variant type: single nucleotide variant.
Coding change: c.17355C>A on transcript NM_001164508.2 (MANE Select); coding-DNA position 17355, C replaced by A.
Protein change: p.Tyr5785Ter; replaces tyrosine 5785 with a stop codon.
Molecular consequence: nonsense.
Genome position (GRCh38, 1-based): chr2:151,570,156, G>T on the plus strand (C>A on the coding strand, the complement: NEB is on the minus strand). VCF-style: chr2-151570156-G-T. GRCh37 (hg19) VCF-style: chr2-152426670-G-T.
Other names: c.17355C>A, p.Tyr5785Ter (NM_001164507.2, NM_001271208.2); c.12252C>A, p.Tyr4084Ter (NM_004543.5); short protein forms Y5785*, Y4084*.
Identifiers: ClinVar variation 2797533 (VCV002797533.3), dbSNP rs1578007148, ClinGen allele CA348807606.

ClinVar aggregate classification (germline): Pathogenic (1 of 4 stars; one submission).

Conditions:
Nemaline myopathy 2 (NEM2). Also called: Nemaline myopathy 2, autosomal recessive. Identifiers: MedGen C1850569, MONDO:0009725, OMIM 256030.

Submission:

Labcorp Genetics (formerly Invitae), Labcorp
Classification: Pathogenic for Nemaline myopathy 2. Last evaluated: 2023-08-10. Review status: criteria provided, single submitter. Criteria: Invitae Variant Classification Sherloc (09022015). Collection method: clinical testing. Allele origin: germline.
Comment: This sequence change creates a premature translational stop signal (p.Tyr5785*) in the NEB gene. It is expected to result in an absent or disrupted protein product. Loss-of-function variants in NEB are known to be pathogenic (PMID: 25205138). This variant is not present in population databases (gnomAD no frequency). This variant has not been reported in the literature in individuals affected with NEB-related conditions. For these reasons, this variant has been classified as Pathogenic.

Literature cited by the submitters: PubMed 25205138.